The following is an entry in ClinVar:

NM_000089.4(COL1A2):c.2663C>G (p.Ala888Gly)

Gene: COL1A2 (collagen type I alpha 2 chain; plus strand). Cytogenetic location: 7q21.3.
Variant type: single nucleotide variant.
Coding change: c.2663C>G on transcript NM_000089.4 (MANE Select); coding-DNA position 2663, C replaced by G.
Protein change: p.Ala888Gly; replaces alanine 888 with glycine.
Molecular consequence: missense variant.
Genome position (GRCh38, 1-based): chr7:94,424,433, C>G. VCF-style: chr7-94424433-C-G. GRCh37 (hg19) VCF-style: chr7-94053745-C-G.
Other names: short protein forms A888G.
Identifiers: ClinVar variation 580718 (VCV000580718.11), dbSNP rs752453618, ClinGen allele CA4347517.

ClinVar aggregate classification (germline): Uncertain significance. Review status: criteria provided, multiple submitters, no conflicts (2 of 4 stars). 2 submissions from 2 submitters: Uncertain significance (2). Last evaluated 2026-03-21.

Conditions:
Cardiovascular phenotype. Identifiers: MedGen CN230736.
Osteogenesis imperfecta type I (OI1). Also called: OI, TYPE I; OSTEOGENESIS IMPERFECTA TARDA; OSTEOGENESIS IMPERFECTA WITH BLUE SCLERAE; Lobstein's Disease; Classic Non-deforming Osteogenesis Imperfecta with Blue Sclerae; Lobstein disease. Identifiers: Orphanet 216796, Orphanet 666, MedGen C0023931, MONDO:0008146, OMIM 166200. Disease mechanism: loss of function.
Ehlers-Danlos syndrome, classic type, 1 (EDSCL1). Also called: Ehlers-Danlos Syndrome, Classic Type, COL5A1-Related; EDS I; Ehlers-Danlos syndrome, type 1; EHLERS-DANLOS SYNDROME, GRAVIS TYPE; EHLERS-DANLOS SYNDROME, SEVERE CLASSIC TYPE. Identifiers: MedGen C0268335, MONDO:0019567, OMIM 130000.

Allele frequency attached by ClinVar (database versions not stated): TOPMed below 0.00001; ExAC 0.00001; gnomAD exomes 0.00004 and 0.00001.
gnomAD v4.1: 57 of 1,613,992 alleles (0.0035%); highest among the groups gnomAD compares: Non-Finnish European, 0.0047%; no homozygotes.

Submissions (2):

Ambry Genetics
Classification: Uncertain significance for Cardiovascular phenotype. Last evaluated: 2026-03-21. Review status: criteria provided, single submitter. Criteria: Ambry Variant Classification Scheme 2023. Collection method: clinical testing. Allele origin: germline.
Comment: The p.A888G variant (also known as c.2663C>G), located in coding exon 41 of the COL1A2 gene, results from a C to G substitution at nucleotide position 2663. The alanine at codon 888 is replaced by glycine, an amino acid with similar properties. This amino acid position is conserved. In addition, the in silico prediction for this alteration is inconclusive. Based on the available evidence, the clinical significance of this variant remains unclear.

Labcorp Genetics (formerly Invitae), Labcorp
Classification: Uncertain significance for Osteogenesis imperfecta type I; Ehlers-Danlos syndrome, classic type, 1. Last evaluated: 2025-09-21. Review status: criteria provided, single submitter. Criteria: Invitae Variant Classification Sherloc (09022015). Collection method: clinical testing. Allele origin: germline.
Comment: This sequence change replaces alanine, which is neutral and non-polar, with glycine, which is neutral and non-polar, at codon 888 of the COL1A2 protein (p.Ala888Gly). This variant is present in population databases (rs752453618, gnomAD 0.003%). This variant has not been reported in the literature in individuals affected with COL1A2-related conditions. ClinVar contains an entry for this variant (Variation ID: 580718). Invitae Evidence Modeling of protein sequence and biophysical properties (such as structural, functional, and spatial information, amino acid conservation, physicochemical variation, residue mobility, and thermodynamic stability) has been performed for this missense variant. However, the output from this modeling did not meet the statistical confidence thresholds required to predict the impact of this variant on COL1A2 protein function. In summary, the available evidence is currently insufficient to determine the role of this variant in disease. Therefore, it has been classified as a Variant of Uncertain Significance.